The following is an entry in ClinVar:

NM_004341.5(CAD):c.2335G>T (p.Ala779Ser)

Genes: CAD (carbamoyl-phosphate synthetase 2, aspartate transcarbamylase, and dihydroorotase; plus strand), LOC126806171 (BRD4-independent group 4 enhancer GRCh37_chr2:27454350-27455549; plus strand). Cytogenetic location: 2p23.3.
Variant type: single nucleotide variant.
Coding change: c.2335G>T on transcript NM_004341.5 (MANE Select); coding-DNA position 2335, G replaced by T.
Protein change: p.Ala779Ser; replaces alanine 779 with serine.
Molecular consequence: missense variant.
Genome position (GRCh38, 1-based): chr2:27,231,515, G>T. VCF-style: chr2-27231515-G-T. GRCh37 (hg19) VCF-style: chr2-27454383-G-T.
Other names: c.2146G>T, p.Ala716Ser (NM_001306079.2); short protein forms A716S, A779S.
Identifiers: ClinVar variation 1331402 (VCV001331402.6), dbSNP rs369354492, ClinGen allele CA1572983.

ClinVar aggregate classification (germline): Uncertain significance. Review status: criteria provided, multiple submitters, no conflicts (2 of 4 stars). 2 submissions from 2 submitters: Uncertain significance (2). Last evaluated 2022-08-18.

Allele frequency attached by ClinVar (database versions not stated): gnomAD 0.00001 and 0.00003; ExAC 0.00002; gnomAD exomes 0.00002; TOPMed 0.00003; ESP Exome Variant Server 0.00008; 1000 Genomes Project 0.00020; 1000 Genomes Project 30x 0.00031.

Submissions (2):

Labcorp Genetics (formerly Invitae), Labcorp
Classification: Uncertain significance. Last evaluated: 2022-08-18. Review status: criteria provided, single submitter. Criteria: Invitae Variant Classification Sherloc (09022015). Collection method: clinical testing. Allele origin: germline.
Comment: This sequence change replaces alanine, which is neutral and non-polar, with serine, which is neutral and polar, at codon 779 of the CAD protein (p.Ala779Ser). This variant is present in population databases (rs369354492, gnomAD 0.009%). This variant has not been reported in the literature in individuals affected with CAD-related conditions. ClinVar contains an entry for this variant (Variation ID: 1331402). Algorithms developed to predict the effect of missense changes on protein structure and function are either unavailable or do not agree on the potential impact of this missense change (SIFT: "Deleterious"; PolyPhen-2: "Probably Damaging"; Align-GVGD: "Class C0"). In summary, the available evidence is currently insufficient to determine the role of this variant in disease. Therefore, it has been classified as a Variant of Uncertain Significance.

Women's Health and Genetics/Laboratory Corporation of America, LabCorp
Classification: Uncertain significance. Last evaluated: 2021-12-14. Review status: criteria provided, single submitter. Criteria: LabCorp Variant Classification Summary - May 2015. Collection method: clinical testing. Allele origin: germline.